The following is an entry in ClinVar:

ClinVar aggregate classification (germline): Conflicting classifications of pathogenicity. Review status: criteria provided, conflicting classifications (1 of 4 stars). 3 submissions from 3 submitters: Uncertain significance (1); Likely benign (1). 1 of the submissions does not count toward it. Last evaluated 2024-11-13.

Conditions:
PCNT-related disorder. Also called: PCNT-related condition.

Allele frequency attached by ClinVar (database versions not stated): gnomAD 0.00001; gnomAD exomes 0.00002; TOPMed 0.00002; ExAC 0.00005.
gnomAD v4.1: 42 of 1,554,702 alleles (0.0027%); highest among the groups gnomAD compares: East Asian, 0.0097%; no homozygotes.

Submissions (3):

Labcorp Genetics (formerly Invitae), Labcorp
Classification: Likely benign. Last evaluated: 2024-11-13. Review status: criteria provided, single submitter. Criteria: Invitae Variant Classification Sherloc (09022015). Collection method: clinical testing. Allele origin: germline.

Genetic Services Laboratory, University of Chicago
Classification: Uncertain significance. Last evaluated: 2018-09-13. Review status: criteria provided, single submitter. Criteria: ACMG Guidelines, 2015. Collection method: clinical testing. Allele origin: germline. Affected: no.

PreventionGenetics, part of Exact Sciences
Classification: Likely benign for PCNT-related condition. Last evaluated: 2024-05-31. Review status: no assertion criteria provided. Collection method: clinical testing. Allele origin: germline. Not counted in ClinVar's aggregate classification.
Comment: This variant is classified as likely benign based on ACMG/AMP sequence variant interpretation guidelines (Richards et al. 2015 PMID: 25741868, with internal and published modifications).

NM_006031.6(PCNT):c.7950C>T (p.Ala2650=)

Gene: PCNT (pericentrin; plus strand). Cytogenetic location: 21q22.3.
Variant type: single nucleotide variant.
Coding change: c.7950C>T on transcript NM_006031.6 (MANE Select); coding-DNA position 7950, C replaced by T.
Protein change: p.Ala2650=; no amino-acid change (alanine 2650 retained).
Molecular consequence: synonymous variant.
Genome position (GRCh38, 1-based): chr21:46,430,543, C>T. VCF-style: chr21-46430543-C-T. GRCh37 (hg19) VCF-style: chr21-47850457-C-T.
Other names: c.7596C>T, p.Ala2532= (NM_001315529.2).
Identifiers: ClinVar variation 1336828 (VCV001336828.8), dbSNP rs777255057, ClinGen allele CA10080843.